The following is an entry in ClinVar:

ClinVar aggregate classification (germline): Uncertain significance (0 of 4 stars; one submission).

Conditions:
GNAS-related disorder. Identifiers: MedGen CN380105.

gnomAD v4.1: 1 of 1,612,494 alleles (0.000062%); highest among the groups gnomAD compares: Non-Finnish European, 0.000085%; no homozygotes.

Submission:

PreventionGenetics, part of Exact Sciences
Classification: Uncertain significance for GNAS-related condition. Last evaluated: 2024-07-05. Review status: no assertion criteria provided. Collection method: clinical testing. Allele origin: germline.
Comment: The GNAS c.253G>A variant is predicted to result in the amino acid substitution p.Asp85Asn. To our knowledge, this variant has not been reported in the literature. This variant is reported in 0.00088% of alleles in individuals of European (non-Finnish) descent in gnomAD. At this time, the clinical significance of this variant is uncertain due to the absence of conclusive functional and genetic evidence.

NM_000516.7(GNAS):c.253G>A (p.Asp85Asn)

Gene: GNAS (GNAS complex locus; plus strand). Cytogenetic location: 20q13.32.
Variant type: single nucleotide variant.
Coding change: c.253G>A on transcript NM_000516.7 (MANE Select); coding-DNA position 253, G replaced by A.
Protein change: p.Asp85Asn; replaces aspartic acid 85 with asparagine.
Molecular consequence: missense variant. On other transcripts: 3 prime UTR variant (3), non-coding transcript variant (2), intron variant (3).
Genome position (GRCh38, 1-based): chr20:58,898,981, G>A. VCF-style: chr20-58898981-G-A. GRCh37 (hg19) VCF-style: chr20-57474036-G-A.
Other names: c.253G>A, p.Asp85Asn (NM_001077488.5, NM_001309842.2); c.*114G>A (NM_001077490.3); c.76G>A, p.Asp26Asn (NM_001309840.2, NM_001309861.2); c.*272G>A (NM_001309883.1); c.157G>A, p.Asp53Asn (NM_001410912.1); c.*156G>A (NM_016592.5); c.2182G>A, p.Asp728Asn (NM_080425.4); c.2141+3297G>A (NM_001410913.1); and 1 more; short protein forms D26N, D53N, D728N, D85N.
Identifiers: ClinVar variation 3349514 (VCV003349514.1).